The following is an entry in ClinVar:

NM_052845.4(MMAB):c.569G>A (p.Arg190His)

Gene: MMAB (metabolism of cobalamin associated B; minus strand). Cytogenetic location: 12q24.11.
Variant type: single nucleotide variant.
Coding change: c.569G>A on transcript NM_052845.4 (MANE Select); coding-DNA position 569, G replaced by A.
Protein change: p.Arg190His; replaces arginine 190 with histidine.
Molecular consequence: missense variant. On other transcripts: non-coding transcript variant (1).
Genome position (GRCh38, 1-based): chr12:109,561,055, C>T on the plus strand (G>A on the coding strand, the complement: MMAB is on the minus strand). VCF-style: chr12-109561055-C-T. GRCh37 (hg19) VCF-style: chr12-109998860-C-T.
Other names: p.R190H:CGC>CAC; short protein forms R190H.
Identifiers: ClinVar variation 203819 (VCV000203819.20), dbSNP rs756414548, ClinGen allele CA312716.

ClinVar aggregate classification (germline): Pathogenic. Review status: criteria provided, multiple submitters, no conflicts (2 of 4 stars). 8 submissions from 8 submitters: Pathogenic (5). 3 of the submissions do not count toward it. Last evaluated 2025-05-19.

Conditions:
Methylmalonic acidemia (MMA). Also called: Isolated Methylmalonic Acidemia. Identifiers: MedGen C0268583, MeSH C537358, MONDO:0002012, HP:0002912.
Methylmalonic aciduria, cblB type (MACB). Also called: Vitamin B12-responsive methylmalonic acidemia type cblB; Methylmalonic acidemia cblB type; METHYLMALONIC ACIDURIA, VITAMIN B12-RESPONSIVE, DUE TO DEFECT IN SYNTHESIS OF ADENOSYLCOBALAMIN, cblB TYPE. Identifiers: Orphanet 28, Orphanet 79311, MedGen C1855102, MONDO:0009614, OMIM 251110.

Allele frequency attached by ClinVar (database versions not stated): ExAC 0.00001; gnomAD 0.00001; gnomAD exomes below 0.00001 and 0.00002; TOPMed 0.00001.
gnomAD v4.1: 28 of 1,610,288 alleles (0.0017%); highest among the groups gnomAD compares: Non-Finnish European, 0.0023%; no homozygotes.

Submissions (8):

Labcorp Genetics (formerly Invitae), Labcorp
Classification: Pathogenic for Methylmalonic aciduria, cblB type. Last evaluated: 2025-05-19. Review status: criteria provided, single submitter. Criteria: Invitae Variant Classification Sherloc (09022015). Collection method: clinical testing. Allele origin: germline.
Comment: This sequence change replaces arginine, which is basic and polar, with histidine, which is basic and polar, at codon 190 of the MMAB protein (p.Arg190His). The frequency data for this variant in the population databases is considered unreliable, as metrics indicate poor data quality at this position in the gnomAD database. This missense change has been observed in individuals with methylmalonic aciduria cobalamin B type (PMID: 16410054). ClinVar contains an entry for this variant (Variation ID: 203819). Invitae Evidence Modeling of protein sequence and biophysical properties (such as structural, functional, and spatial information, amino acid conservation, physicochemical variation, residue mobility, and thermodynamic stability) indicates that this missense variant is expected to disrupt MMAB protein function with a positive predictive value of 80%. Experimental studies have shown that this missense change affects MMAB function (PMID: 16439175, 19625202). This variant disrupts the p.Arg190 amino acid residue in MMAB. Other variant(s) that disrupt this residue have been determined to be pathogenic (PMID: 16410054, 19625202, 24059531, 29039164, 29197662). This suggests that this residue is clinically significant, and that variants that disrupt this residue are likely to be disease-causing. For these reasons, this variant has been classified as Pathogenic.

Natera, Inc.
Classification: Pathogenic for Methylmalonic aciduria cblB type. Last evaluated: 2025-05-01. Review status: criteria provided, single submitter. Criteria: Natera Variant Classification Schema (03/2026). Collection method: clinical testing. Allele origin: germline.
Comment: The c.569G>A variant in MMAB is a missense variant predicted to cause substitution of arginine to histidine at amino acid 190. This variant is rare in the general population with a frequency below the threshold expected for the associated phenotype(s). This variant has been observed in one or more individuals affected with the associated recessive disease, as either homozygous or compound heterozygous with a second variant (PMID: 16410054, 34796408). Given the available evidence, this variant is classified as Pathogenic.

Women's Health and Genetics/Laboratory Corporation of America, LabCorp
Classification: Pathogenic for Methylmalonic acidemia. Last evaluated: 2021-04-21. Review status: criteria provided, single submitter. Criteria: LabCorp Variant Classification Summary - May 2015. Collection method: clinical testing. Allele origin: germline.
Comment: Variant summary: MMAB c.569G>A (p.Arg190His) results in a non-conservative amino acid change located in the Cobalamin adenosyltransferase-like of the encoded protein sequence. Five of five in-silico tools predict a damaging effect of the variant on protein function. The variant allele was found at a frequency of 4e-06 in 248806 control chromosomes. c.569G>A has been reported in the literature in individuals affected with Methylmalonic Acidemia (Lerner-Ellis_2006). In experimental studies, the variant has been shown to result in decreased stability, significantly decreased affinity for AdoCbl, the product of the adenosylation reaction, and therefore completely inactive enzyme (Brasil_2018, Zhang_2006, Zhang_2009). Four clinical diagnostic laboratories have submitted clinical-significance assessments for this variant to ClinVar after 2014 without evidence for independent evaluation. Three classified as pathogenic/likely pathogenic while one classified as VUS. Based on the evidence outlined above, the variant was classified as pathogenic.

GeneDx
Classification: Pathogenic. Last evaluated: 2018-12-07. Review status: criteria provided, single submitter. Criteria: GeneDx Variant Classification (06012015). Collection method: clinical testing. Allele origin: germline. Affected: yes.
Comment: The R190H variant is a conservative amino acid substitution as these residues share similar properties, and are less likely to impact secondary structure. This change occurs at a residue that is conserved across species. In silico analysis predicts this mutation is probably damaging to the protein structure/function. Mutations at this residue (R190C) and nearby residues (R186Q, R191W, R191Q) have been reported in association with methylmalonic aciduria, supporting the functional importance of this residue and this region of the protein. The R190H mutation in the MMAB gene has been reported previously in association with methylmalonic aciduria (Lerner-Ellis et al., 2006). The R190H mutation was not observed in approximately 6,500 individuals of European and African American ancestry in the NHLBI Exome Sequencing Project, indicating it is not a common benign variant in these populations. We interpret R190H as a disease-causing mutation.

Clinical Genetics Service, Universitary Hospital 12 de Octubre
Classification: Pathogenic for Methylmalonic aciduria, cblB type. Review status: criteria provided, single submitter. Criteria: ACMG Guidelines, 2015. Collection method: clinical testing. Allele origin: paternal. Affected: yes.

Baumgartner lab, University Children's Hospital Zurich
Classification: Pathogenic for Methylmalonic aciduria, cblB type. Last evaluated: 2021-06-01. Review status: no assertion criteria provided. Collection method: clinical testing. Allele origin: germline. Affected: yes. Not counted in ClinVar's aggregate classification.

Counsyl
Classification: Likely pathogenic for Methylmalonic aciduria, cblB type. Last evaluated: 2017-05-16. Review status: no assertion criteria provided. Collection method: clinical testing. Allele origin: unknown. Not counted in ClinVar's aggregate classification.

GeneReviews
No classification provided. Condition: Methylmalonic aciduria, cblB type. Review status: no classification provided. Collection method: literature only. Allele origin: germline. Affected: yes. Not counted in ClinVar's aggregate classification.

Literature cited by the submitters: PubMed 16410054 (cited by 4 submitters); PubMed 16439175 (cited by 3 submitters); PubMed 19625202 (cited by 3 submitters); PubMed 24059531 (cited by Labcorp Genetics (formerly Invitae), Labcorp); PubMed 29039164 (cited by Labcorp Genetics (formerly Invitae), Labcorp); PubMed 29197662 (cited by Labcorp Genetics (formerly Invitae), Labcorp and Women's Health and Genetics/Laboratory Corporation of America, LabCorp); PubMed 34796408 (cited by Natera, Inc.); PubMed 23707710 (cited by Women's Health and Genetics/Laboratory Corporation of America, LabCorp and Counsyl); NCBI Bookshelf NBK1231 (cited by GeneReviews).